The following is an entry in ClinVar:

NM_022114.4(PRDM16):c.2597T>C (p.Ile866Thr)

Gene: PRDM16 (PR/SET domain 16; plus strand). Cytogenetic location: 1p36.32.
Variant type: single nucleotide variant.
Coding change: c.2597T>C on transcript NM_022114.4 (MANE Select); coding-DNA position 2597, T replaced by C.
Protein change: p.Ile866Thr; replaces isoleucine 866 with threonine.
Molecular consequence: missense variant.
Genome position (GRCh38, 1-based): chr1:3,412,794, T>C. VCF-style: chr1-3412794-T-C. GRCh37 (hg19) VCF-style: chr1-3329358-T-C.
Other names: c.2597T>C, p.Ile866Thr (NM_199454.3); short protein forms I866T.
Identifiers: ClinVar variation 4700374 (VCV004700374.1).

ClinVar aggregate classification (germline): Uncertain significance (1 of 4 stars; one submission).

Conditions:
Left ventricular noncompaction 8 (LVNC8). Identifiers: Orphanet 154, Orphanet 54260, MedGen C3809288, MONDO:0014152, OMIM 615373.

Submission:

Labcorp Genetics (formerly Invitae), Labcorp
Classification: Uncertain significance for Left ventricular noncompaction 8. Last evaluated: 2025-11-27. Review status: criteria provided, single submitter. Criteria: Invitae Variant Classification Sherloc (09022015). Collection method: clinical testing. Allele origin: germline.
Comment: This sequence change replaces isoleucine, which is neutral and non-polar, with threonine, which is neutral and polar, at codon 866 of the PRDM16 protein (p.Ile866Thr). This variant is not present in population databases (gnomAD no frequency). This variant has not been reported in the literature in individuals affected with PRDM16-related conditions. An algorithm developed to predict the effect of missense changes on protein structure and function (PolyPhen-2) suggests that this variant is likely to be disruptive. In summary, the available evidence is currently insufficient to determine the role of this variant in disease. Therefore, it has been classified as a Variant of Uncertain Significance.